The following is an entry in ClinVar:

ClinVar aggregate classification (germline): Conflicting classifications of pathogenicity. Review status: criteria provided, conflicting classifications (1 of 4 stars). 2 submissions from 2 submitters: Uncertain significance (1); Likely benign (1). Last evaluated 2025-02-28.

Conditions:
Hereditary cancer-predisposing syndrome. Also called: Hereditary neoplastic syndrome; Neoplastic Syndromes, Hereditary; Tumor predisposition; Hereditary Cancer Syndrome. Identifiers: Orphanet 140162, MedGen C0027672, MeSH D009386, MONDO:0015356.
Microcephaly, normal intelligence and immunodeficiency (NBS). Also called: IMMUNODEFICIENCY, MICROCEPHALY, AND CHROMOSOMAL INSTABILITY; SEEMANOVA SYNDROME II; Nijmegen breakage syndrome; Microcephaly with normal intelligence immunodeficiency and lymphoreticular malignancies; Nonsyndromal microcephaly autosomal recessive with normal intelligence; Seemanova syndrome 2. Identifiers: Orphanet 647, MedGen C0398791, MONDO:0009623, OMIM 251260.

Allele frequency attached by ClinVar (database versions not stated): gnomAD 0.00001.
gnomAD v4.1: 1 of 1,613,336 alleles (0.000062%); highest among the groups gnomAD compares: African/African-American, 0.0013%; no homozygotes.

Submissions (2):

Labcorp Genetics (formerly Invitae), Labcorp
Classification: Uncertain significance for Microcephaly, normal intelligence and immunodeficiency. Last evaluated: 2025-02-28. Review status: criteria provided, single submitter. Criteria: Invitae Variant Classification Sherloc (09022015). Collection method: clinical testing. Allele origin: germline.
Comment: This sequence change replaces valine, which is neutral and non-polar, with isoleucine, which is neutral and non-polar, at codon 589 of the NBN protein (p.Val589Ile). This variant is not present in population databases (gnomAD no frequency). This variant has not been reported in the literature in individuals affected with NBN-related conditions. ClinVar contains an entry for this variant (Variation ID: 480016). An algorithm developed to predict the effect of missense changes on protein structure and function outputs the following: PolyPhen-2: "Benign". The isoleucine amino acid residue is found in multiple mammalian species, which suggests that this missense change does not adversely affect protein function. In summary, the available evidence is currently insufficient to determine the role of this variant in disease. Therefore, it has been classified as a Variant of Uncertain Significance.

Ambry Genetics
Classification: Likely benign for Hereditary cancer-predisposing syndrome. Last evaluated: 2016-08-25. Review status: criteria provided, single submitter. Criteria: Ambry Variant Classification Scheme 2023. Collection method: clinical testing. Allele origin: germline.

NM_002485.5(NBN):c.1765G>A (p.Val589Ile)

Gene: NBN (nibrin; minus strand). Cytogenetic location: 8q21.3.
Variant type: single nucleotide variant.
Coding change: c.1765G>A on transcript NM_002485.5 (MANE Select); coding-DNA position 1765, G replaced by A.
Protein change: p.Val589Ile; replaces valine 589 with isoleucine.
Molecular consequence: missense variant.
Genome position (GRCh38, 1-based): chr8:89,953,324, C>T on the plus strand (G>A on the coding strand, the complement: NBN is on the minus strand). VCF-style: chr8-89953324-C-T. GRCh37 (hg19) VCF-style: chr8-90965552-C-T.
Other names: c.1519G>A, p.Val507Ile (NM_001024688.3); short protein forms V589I, V507I.
Identifiers: ClinVar variation 480016 (VCV000480016.6), dbSNP rs1554558251, ClinGen allele CA371655142.